The following is an entry in ClinVar:

ClinVar aggregate classification (germline): Likely pathogenic (1 of 4 stars; one submission).

Conditions:
Congenital multicore myopathy with external ophthalmoplegia (CMYO1B). Also called: MULTIMINICORE DISEASE WITH EXTERNAL OPHTHALMOPLEGIA; Minicore myopathy with external ophthalmoplegia; Congenital myopathy 1B, autosomal recessive; Minicore myopathy; MULTICORE MYOPATHY. Identifiers: Orphanet 598, Orphanet 98905, MedGen C1850674, MONDO:0009712, OMIM 255320, HP:0003789.

Submission:

Juno Genomics, Hangzhou Juno Genomics, Inc
Classification: Likely pathogenic for Congenital multicore myopathy with external ophthalmoplegia. Review status: criteria provided, single submitter. Criteria: ACMG Guidelines, 2015. Collection method: clinical testing. Allele origin: germline.
Comment: Null variant in a gene where loss of function (LOF) is a known mechanism of disease.;Absent from controls (or at extremely low frequency if recessive) in Genome Aggregation Database.

NM_000540.3(RYR1):c.6462_6471del (p.Leu2155fs)

Gene: RYR1 (ryanodine receptor 1; plus strand). Cytogenetic location: 19q13.2.
Variant type: Deletion.
Coding change: c.6462_6471del on transcript NM_000540.3 (MANE Select); coding-DNA positions 6462 to 6471, 10 bases deleted (CCTGCTCGAG; older notation c.6462_6471delCCTGCTCGAG).
Protein change: p.Leu2155fs; shifts the reading frame from leucine 2155.
Molecular consequence: frameshift variant.
Genome position (GRCh38, 1-based): chr19:38,494,539-38,494,548, CCTGCTCGAG deleted; deleting any 10 consecutive bases within chr19:38,494,536-38,494,548 gives the same sequence; the c. name uses the placement nearest the transcript's 3' end. VCF-style (leftmost placement, unchanged base first): chr19-38494535-TGAGCCTGCTC-T. GRCh37 (hg19) VCF-style: chr19-38985175-TGAGCCTGCTC-T.
Other names: c.6462_6471del, p.Leu2155fs (NM_001042723.2); short protein forms L2155fs.
Identifiers: ClinVar variation 5005979 (VCV005005979.2).
Genomic context (GRCh38, chr19:38,494,535, plus strand): 5'-AGCTGCTGCGTGCCCTGCCGCGGGCGTACACCATCTCACCGTCCTCCGTGGAAGACACCA[TGAGCCTGCTC>T]GAGTGCCTCGGCCAGATCCGCTCGCTGCTCATCGTGCAGATGGGCCCCCAGGAGGAGAAC-3'